The following is an entry in ClinVar:

NM_001079802.2(FKTN):c.867C>T (p.Asn289=)

Gene: FKTN (fukutin; plus strand). Cytogenetic location: 9q31.2.
Variant type: single nucleotide variant.
Coding change: c.867C>T on transcript NM_001079802.2 (MANE Select); coding-DNA position 867, C replaced by T.
Protein change: p.Asn289=; no amino-acid change (asparagine 289 retained).
Molecular consequence: synonymous variant. On other transcripts: non-coding transcript variant (1).
Genome position (GRCh38, 1-based): chr9:105,615,364, C>T. VCF-style: chr9-105615364-C-T. GRCh37 (hg19) VCF-style: chr9-108377645-C-T.
Other names: c.867C>T, p.Asn289= (NM_001198963.2, NM_001351496.2, NM_001351498.2 and 1 more transcripts); c.798C>T, p.Asn266= (NM_001351497.2); c.471C>T, p.Asn157= (NM_001351499.2, NM_001351500.2, NM_001351501.2 and 1 more transcripts).
Identifiers: ClinVar variation 510631 (VCV000510631.12), dbSNP rs1554757882, ClinGen allele CA466512078.
Genomic context (GRCh38, chr9:105,615,364, plus strand): 5'-AGCTGTGGCCTTTCGGAAGAGTGCAAAGGAATTACTGCAACTAGCAGCGAAAACATTAAA[C>T]AAATTGGGAGTACCATTCTGGCTGAGCAGTGGAACTTGTCTAGGTAAAATTCTTACGACT-3'
Protein context (NP_001073270.1, residues 279-299): ELLQLAAKTL[Asn289=]KLGVPFWLSS

ClinVar aggregate classification (germline): Likely benign. Review status: criteria provided, multiple submitters, no conflicts (2 of 4 stars). 4 submissions from 4 submitters: Likely benign (4). Last evaluated 2024-12-10.

Conditions:
Cardiovascular phenotype. Identifiers: MedGen CN230736.
Walker-Warburg congenital muscular dystrophy. Also called: Muscular dystrophy-dystroglycanopathy, type A; Walker-Warburg syndrome. Identifiers: Orphanet 899, MedGen C0265221, MONDO:0000171.

gnomAD v4.1: 2 of 1,613,974 alleles (0.00012%); highest among the groups gnomAD compares: Non-Finnish European, 0.00017%; no homozygotes.

Submissions (4):

Women's Health and Genetics/Laboratory Corporation of America, LabCorp
Classification: Likely benign. Last evaluated: 2024-12-10. Review status: criteria provided, single submitter. Criteria: LabCorp Variant Classification Summary - May 2015. Collection method: clinical testing. Allele origin: germline.

Labcorp Genetics (formerly Invitae), Labcorp
Classification: Likely benign for Walker-Warburg congenital muscular dystrophy. Last evaluated: 2024-10-05. Review status: criteria provided, single submitter. Criteria: Invitae Variant Classification Sherloc (09022015). Collection method: clinical testing. Allele origin: germline.

Ambry Genetics
Classification: Likely benign for Cardiovascular phenotype. Last evaluated: 2021-09-10. Review status: criteria provided, single submitter. Criteria: Ambry Variant Classification Scheme 2023. Collection method: clinical testing. Allele origin: germline.

GeneDx
Classification: Likely benign. Last evaluated: 2017-06-30. Review status: criteria provided, single submitter. Criteria: GeneDx Variant Classification (06012015). Collection method: clinical testing. Allele origin: germline. Affected: yes.
Comment: This variant is considered likely benign or benign based on one or more of the following criteria: it is a conservative change, it occurs at a poorly conserved position in the protein, it is predicted to be benign by multiple in silico algorithms, and/or has population frequency not consistent with disease.